The following is an entry in ClinVar:

ClinVar aggregate classification (germline): Uncertain significance. Review status: criteria provided, multiple submitters, no conflicts (2 of 4 stars). 2 submissions from 2 submitters: Uncertain significance (2). Last evaluated 2025-12-15.

Conditions:
Muscular dystrophy-dystroglycanopathy (congenital with brain and eye anomalies), type a, 8 (MDDGA8). Also called: WALKER-WARBURG SYNDROME OR MUSCLE-EYE-BRAIN DISEASE, GTDC2-RELATED. Identifiers: Orphanet 899, MedGen C3553813, MONDO:0013904, OMIM 614830.
Inborn genetic diseases. Identifiers: MedGen C0950123, MeSH D030342.

Allele frequency attached by ClinVar (database versions not stated): TOPMed 0.00002; ESP Exome Variant Server 0.00008; gnomAD 0.00001; gnomAD exomes 0.00001; ExAC 0.00002.
gnomAD v4.1: 13 of 1,614,100 alleles (0.00081%); highest among the groups gnomAD compares: Non-Finnish European, 0.0011%; no homozygotes.

Submissions (2):

Ambry Genetics
Classification: Uncertain significance for Inborn genetic diseases. Last evaluated: 2025-12-15. Review status: criteria provided, single submitter. Criteria: Ambry Variant Classification Scheme 2023. Collection method: clinical testing. Allele origin: germline.

Labcorp Genetics (formerly Invitae), Labcorp
Classification: Uncertain significance for Muscular dystrophy-dystroglycanopathy (congenital with brain and eye anomalies), type a, 8. Last evaluated: 2021-09-01. Review status: criteria provided, single submitter. Criteria: Invitae Variant Classification Sherloc (09022015). Collection method: clinical testing. Allele origin: germline.
Comment: This sequence change replaces isoleucine with valine at codon 289 of the POMGNT2 protein (p.Ile289Val). The isoleucine residue is highly conserved and there is a small physicochemical difference between isoleucine and valine. This variant is present in population databases (rs368381386, ExAC 0.003%). This variant has not been reported in the literature in individuals affected with POMGNT2-related conditions. Algorithms developed to predict the effect of missense changes on protein structure and function are either unavailable or do not agree on the potential impact of this missense change (SIFT: "Deleterious"; PolyPhen-2: "Benign"; Align-GVGD: "Class C25"). In summary, the available evidence is currently insufficient to determine the role of this variant in disease. Therefore, it has been classified as a Variant of Uncertain Significance.

NM_032806.6(POMGNT2):c.865A>G (p.Ile289Val)

Gene: POMGNT2 (protein O-linked mannose N-acetylglucosaminyltransferase 2 (beta 1,4-); minus strand). Cytogenetic location: 3p22.1.
Variant type: single nucleotide variant.
Coding change: c.865A>G on transcript NM_032806.6 (MANE Select); coding-DNA position 865, A replaced by G.
Protein change: p.Ile289Val; replaces isoleucine 289 with valine.
Molecular consequence: missense variant.
Genome position (GRCh38, 1-based): chr3:43,080,567, T>C on the plus strand (A>G on the coding strand, the complement: POMGNT2 is on the minus strand). VCF-style: chr3-43080567-T-C. GRCh37 (hg19) VCF-style: chr3-43122059-T-C.
Other names: c.865A>G (NM_032806.4); short protein forms I289V.
Identifiers: ClinVar variation 1435353 (VCV001435353.6), dbSNP rs368381386, ClinGen allele CA2339973.